The following is an entry in ClinVar:

NM_001388308.1(KIF12):c.721del (p.Tyr241fs)

Gene: KIF12 (kinesin family member 12; minus strand). Cytogenetic location: 9q32.
Variant type: Deletion.
Coding change: c.721del on transcript NM_001388308.1 (MANE Select); coding-DNA position 721, one base deleted (T; older notation c.721delT).
Protein change: p.Tyr241fs; shifts the reading frame from tyrosine 241.
Molecular consequence: frameshift variant.
Genome position (GRCh38, 1-based): chr9:114,096,404, A deleted on the plus strand (T on the coding strand, the reverse complement: KIF12 is on the minus strand); the first of 3 consecutive A bases (chr9:114,096,404-114,096,406); deleting any one gives the same sequence. VCF-style (leftmost placement, unchanged base first): chr9-114096403-TA-T. GRCh37 (hg19) VCF-style: chr9-116858683-TA-T.
Other names: c.307del, p.Tyr103fs (NM_138424.2); short protein forms Y103fs, Y241fs.
Identifiers: ClinVar variation 4781229 (VCV004781229.1).

ClinVar aggregate classification (germline): Pathogenic (1 of 4 stars; one submission).

Submission:

Labcorp Genetics (formerly Invitae), Labcorp
Classification: Pathogenic. Last evaluated: 2025-11-11. Review status: criteria provided, single submitter. Criteria: Invitae Variant Classification Sherloc (09022015). Collection method: clinical testing. Allele origin: germline.
Comment: This sequence change creates a premature translational stop signal (p.Tyr103Thrfs*35) in the KIF12 gene. It is expected to result in an absent or disrupted protein product. Loss-of-function variants in KIF12 are known to be pathogenic (PMID: 30250217, 30976738). This variant is present in population databases (no rsID available, gnomAD 0.0009%). This variant has not been reported in the literature in individuals affected with KIF12-related conditions. For these reasons, this variant has been classified as Pathogenic.

Literature cited by the submitters: PubMed 30250217; PubMed 30976738.